The following is an entry in ClinVar:

NM_015627.3(LDLRAP1):c.497A>G (p.Lys166Arg)

Gene: LDLRAP1 (low density lipoprotein receptor adaptor protein 1; plus strand). Cytogenetic location: 1p36.11.
Variant type: single nucleotide variant.
Coding change: c.497A>G on transcript NM_015627.3 (MANE Select); coding-DNA position 497, A replaced by G.
Protein change: p.Lys166Arg; replaces lysine 166 with arginine.
Molecular consequence: missense variant.
Genome position (GRCh38, 1-based): chr1:25,562,681, A>G. VCF-style: chr1-25562681-A-G. GRCh37 (hg19) VCF-style: chr1-25889172-A-G.
Other names: short protein forms K166R.
Identifiers: ClinVar variation 1744510 (VCV001744510.4), dbSNP rs377680535, ClinGen allele CA695584.
Genomic context (GRCh38, chr1:25,562,681, plus strand): 5'-CCATCCCCACTTCCTGTTTTCAGGCACAGGCTGTTACCCTCACCGTAGCCCAGGCCTTCA[A>G]AGTCGCCTTTGAGTTTTGGCAGGTGTCCAAGGAAGGTGAGACTTTGCATCTACATTGTGG-3'
Protein context (NP_056442.2, residues 156-176): AVTLTVAQAF[Lys166Arg]VAFEFWQVSK

ClinVar aggregate classification (germline): Uncertain significance. Review status: criteria provided, multiple submitters, no conflicts (2 of 4 stars). 2 submissions from 2 submitters: Uncertain significance (2). Last evaluated 2024-02-22.

Conditions:
Cardiovascular phenotype. Identifiers: MedGen CN230736.
Hypercholesterolemia, familial, 4 (FHCL4). Also called: HYPERCHOLESTEROLEMIA, AUTOSOMAL RECESSIVE, 1; HYPERCHOLESTEROLEMIA, AUTOSOMAL RECESSIVE, 2. Identifiers: Orphanet 391665, MedGen C1863512, MONDO:0011374, OMIM 603813.

Allele frequency attached by ClinVar (database versions not stated): ExAC 0.00001; ESP Exome Variant Server 0.00008.
gnomAD v4.1: 11 of 1,614,158 alleles (0.00068%); highest among the groups gnomAD compares: Non-Finnish European, 0.00093%; no homozygotes.

Submissions (2):

Labcorp Genetics (formerly Invitae), Labcorp
Classification: Uncertain significance for Hypercholesterolemia, familial, 4. Last evaluated: 2024-02-22. Review status: criteria provided, single submitter. Criteria: Invitae Variant Classification Sherloc (09022015). Collection method: clinical testing. Allele origin: germline.
Comment: This sequence change replaces lysine, which is basic and polar, with arginine, which is basic and polar, at codon 166 of the LDLRAP1 protein (p.Lys166Arg). This variant is present in population databases (rs377680535, gnomAD 0.0009%). This variant has not been reported in the literature in individuals affected with LDLRAP1-related conditions. ClinVar contains an entry for this variant (Variation ID: 1744510). Advanced modeling of protein sequence and biophysical properties (such as structural, functional, and spatial information, amino acid conservation, physicochemical variation, residue mobility, and thermodynamic stability) performed at Invitae indicates that this missense variant is not expected to disrupt LDLRAP1 protein function with a negative predictive value of 80%. In summary, the available evidence is currently insufficient to determine the role of this variant in disease. Therefore, it has been classified as a Variant of Uncertain Significance.

Ambry Genetics
Classification: Uncertain significance for Cardiovascular phenotype. Last evaluated: 2021-12-07. Review status: criteria provided, single submitter. Criteria: Ambry Variant Classification Scheme 2023. Collection method: clinical testing. Allele origin: germline.
Comment: The p.K166R variant (also known as c.497A>G), located in coding exon 5 of the LDLRAP1 gene, results from an A to G substitution at nucleotide position 497. The lysine at codon 166 is replaced by arginine, an amino acid with highly similar properties. This amino acid position is conserved. In addition, this alteration is predicted to be tolerated by in silico analysis. Since supporting evidence is limited at this time, the clinical significance of this alteration remains unclear.